The following is an entry in ClinVar:

NM_006361.6(HOXB13):c.261C>A (p.Tyr87Ter)

Gene: HOXB13 (homeobox B13; minus strand). Cytogenetic location: 17q21.32.
Variant type: single nucleotide variant.
Coding change: c.261C>A on transcript NM_006361.6 (MANE Select); coding-DNA position 261, C replaced by A.
Protein change: p.Tyr87Ter; replaces tyrosine 87 with a stop codon.
Molecular consequence: nonsense.
Genome position (GRCh38, 1-based): chr17:48,728,333, G>T on the plus strand (C>A on the coding strand, the complement: HOXB13 is on the minus strand). VCF-style: chr17-48728333-G-T. GRCh37 (hg19) VCF-style: chr17-46805695-G-T.
Other names: short protein forms Y87*.
Identifiers: ClinVar variation 690677 (VCV000690677.5), dbSNP rs1197613952, ClinGen allele CA400107817.

ClinVar aggregate classification (germline): Uncertain significance. Review status: criteria provided, single submitter (1 of 4 stars). 2 submissions from 2 submitters: Uncertain significance (1). 1 of the submissions does not count toward it. Last evaluated 2024-04-22.

Conditions:
Prostate cancer, hereditary, 1 (HPC1). Identifiers: Orphanet 1331, MedGen C4722327, MONDO:0011098, OMIM 601518.

Submissions (2):

Labcorp Genetics (formerly Invitae), Labcorp
Classification: Uncertain significance. Last evaluated: 2024-04-22. Review status: criteria provided, single submitter. Criteria: Invitae Variant Classification Sherloc (09022015). Collection method: clinical testing. Allele origin: germline.
Comment: This sequence change creates a premature translational stop signal (p.Tyr87*) in the HOXB13 gene. It is expected to result in an absent or disrupted protein product. However, the current clinical and genetic evidence is not sufficient to establish whether loss-of-function variants in HOXB13 cause disease. This variant is not present in population databases (gnomAD no frequency). This variant has not been reported in the literature in individuals affected with HOXB13-related conditions. ClinVar contains an entry for this variant (Variation ID: 690677). In summary, the available evidence is currently insufficient to determine the role of this variant in disease. Therefore, it has been classified as a Variant of Uncertain Significance.

Laboratory of Virology, Microbiology,  Quality and Medical Biotechnologies, Faculty of Sciences and Techniques - Mohammedia, Hassan II University of Casablanca
Classification: Uncertain significance for Prostate cancer, hereditary, 1. Review status: no assertion criteria provided. Collection method: clinical testing. Allele origin: somatic. Affected: yes. Not counted in ClinVar's aggregate classification.